The following is an entry in ClinVar:

NM_001830.4(CLCN4):c.691G>A (p.Ala231Thr)

Gene: CLCN4 (chloride voltage-gated channel 4; plus strand). Cytogenetic location: Xp22.2.
Variant type: single nucleotide variant.
Coding change: c.691G>A on transcript NM_001830.4 (MANE Select); coding-DNA position 691, G replaced by A.
Protein change: p.Ala231Thr; replaces alanine 231 with threonine.
Molecular consequence: missense variant.
Genome position (GRCh38, 1-based): chrX:10,206,493, G>A. VCF-style: chrX-10206493-G-A. GRCh37 (hg19) VCF-style: chrX-10174533-G-A.
Other names: c.409G>A, p.Ala137Thr (NM_001256944.2); short protein forms A137T, A231T.
Identifiers: ClinVar variation 1487637 (VCV001487637.8), dbSNP rs2147178508, ClinGen allele CA412036797.

ClinVar aggregate classification (germline): Uncertain significance (1 of 4 stars; one submission).

Submission:

Labcorp Genetics (formerly Invitae), Labcorp
Classification: Uncertain significance. Last evaluated: 2021-02-03. Review status: criteria provided, single submitter. Criteria: Invitae Variant Classification Sherloc (09022015). Collection method: clinical testing. Allele origin: germline.
Comment: In summary, the available evidence is currently insufficient to determine the role of this variant in disease. Therefore, it has been classified as a Variant of Uncertain Significance. Algorithms developed to predict the effect of missense changes on protein structure and function (SIFT, PolyPhen-2, Align-GVGD) all suggest that this variant is likely to be disruptive, but these predictions have not been confirmed by published functional studies and their clinical significance is uncertain. This variant has not been reported in the literature in individuals with CLCN4-related conditions. This variant is not present in population databases (ExAC no frequency). This sequence change replaces alanine with threonine at codon 231 of the CLCN4 protein (p.Ala231Thr). The alanine residue is highly conserved and there is a small physicochemical difference between alanine and threonine.